The following is an entry in ClinVar:

NM_203446.3(SYNJ1):c.2864del (p.Asn955fs)

Gene: SYNJ1 (synaptojanin 1; minus strand). Cytogenetic location: 21q22.11.
Variant type: Deletion.
Coding change: c.2864del on transcript NM_203446.3 (MANE Select); coding-DNA position 2864, one base deleted (A; older notation c.2864delA).
Protein change: p.Asn955fs; shifts the reading frame from asparagine 955.
Molecular consequence: frameshift variant.
Genome position (GRCh38, 1-based): chr21:32,653,298, T deleted on the plus strand (A on the coding strand, the reverse complement: SYNJ1 is on the minus strand); the first of 3 consecutive T bases (chr21:32,653,298-32,653,300); deleting any one gives the same sequence. VCF-style (leftmost placement, unchanged base first): chr21-32653297-AT-A. GRCh37 (hg19) VCF-style: chr21-34025607-AT-A.
Other names: c.2864del, p.Asn955fs (NM_001160302.2); c.2849del, p.Asn950fs (NM_001160306.2); c.2981del, p.Asn994fs (NM_003895.4); short protein forms N994fs, N950fs, N955fs.
Identifiers: ClinVar variation 4785171 (VCV004785171.1).

ClinVar aggregate classification (germline): Pathogenic (1 of 4 stars; one submission).

Conditions:
Developmental and epileptic encephalopathy, 53. Also called: Epileptic encephalopathy, early infantile, 53. Identifiers: MedGen C4479313, MONDO:0033362, OMIM 617389.
Early-onset Parkinson disease 20. Also called: PARKINSON DISEASE 20, AUTOSOMAL RECESSIVE EARLY-ONSET. Identifiers: Orphanet 391411, MedGen C3809824, MONDO:0014233, OMIM 615530.

Submission:

Labcorp Genetics (formerly Invitae), Labcorp
Classification: Pathogenic for Developmental and epileptic encephalopathy, 53; Early-onset Parkinson disease 20. Last evaluated: 2025-11-25. Review status: criteria provided, single submitter. Criteria: Invitae Variant Classification Sherloc (09022015). Collection method: clinical testing. Allele origin: germline.
Comment: This sequence change creates a premature translational stop signal (p.Asn994Metfs*6) in the SYNJ1 gene. It is expected to result in an absent or disrupted protein product. Loss-of-function variants in SYNJ1 are known to be pathogenic (PMID: 25316601, 27435091). This variant is not present in population databases (gnomAD no frequency). This variant has not been reported in the literature in individuals affected with SYNJ1-related conditions. For these reasons, this variant has been classified as Pathogenic.

Literature cited by the submitters: PubMed 25316601; PubMed 27435091.